The following is an entry in ClinVar:

ClinVar aggregate classification (germline): Likely pathogenic. Review status: criteria provided, multiple submitters, no conflicts (2 of 4 stars). 2 submissions from 2 submitters: Likely pathogenic (2). Last evaluated 2019-09-09.

Conditions:
Abetalipoproteinaemia (ABL). Also called: Abetalipoproteinemia; Abetalipoproteinemia neuropathy; Apolipoprotein B deficiency; Congenital betalipoprotein deficiency syndrome; MTP DEFICIENCY. Identifiers: Orphanet 14, MedGen C0000744, MONDO:0008692, OMIM 200100, HP:0008181.

Allele frequency attached by ClinVar (database versions not stated): gnomAD exomes below 0.00001.
gnomAD v4.1: 1 of 1,614,066 alleles (0.000062%); highest among the groups gnomAD compares: Non-Finnish European, 0.000085%; no homozygotes.

Submissions (2):

Myriad Genetics, Inc.
Classification: Likely pathogenic for Abetalipoproteinaemia. Last evaluated: 2019-09-09. Review status: criteria provided, single submitter. Criteria: Myriad Women's Health Autosomal Recessive and X-Linked Classification Criteria (2019). Collection method: clinical testing. Allele origin: unknown.
Comment: NM_000253.2(MTTP):c.1705C>T(Q569*) is expected to be pathogenic in the context of abetalipoproteinemia. This variant is predicted to lead to an abnormal or absent protein product due to the creation of a premature termination codon in MTTP, a gene where loss-of-function variants are known to be pathogenic. Please note: this variant was assessed in the context of healthy population screening.

Neuberg Centre For Genomic Medicine, NCGM
Classification: Likely pathogenic for Abetalipoproteinaemia. Review status: criteria provided, single submitter. Criteria: ACMG Guidelines, 2015. Collection method: clinical testing. Allele origin: germline. Inheritance: Autosomal recessive inheritance. Affected: yes.
Comment: The stop gained variant c.1786C>T (p.Gln596Ter) in MTTP gene has not been reported previously as a pathogenic variant nor as a benign variant, to our knowledge. The nucleotide change in MTTP is predicted as conserved by GERP++ and PhyloP across 100 vertebrates. The variant is novel (not in any individuals) in gnomAD Exomes and 1000 Genomes. The variant is predicted to cause protein truncation. Loss of function variants have been previously reported to be disease causing. Hence the variant has been classified as Likely Pathogenic.

NM_001386140.1(MTTP):c.1705C>T (p.Gln569Ter)

Gene: MTTP (microsomal triglyceride transfer protein; plus strand). Cytogenetic location: 4q23.
Variant type: single nucleotide variant.
Coding change: c.1705C>T on transcript NM_001386140.1 (MANE Select); coding-DNA position 1705, C replaced by T.
Protein change: p.Gln569Ter; replaces glutamine 569 with a stop codon.
Molecular consequence: nonsense.
Genome position (GRCh38, 1-based): chr4:99,608,913, C>T. VCF-style: chr4-99608913-C-T. GRCh37 (hg19) VCF-style: chr4-100530070-C-T.
Other names: c.1705C>T, p.Gln569Ter (NM_000253.4); c.1456C>T, p.Gln486Ter (NM_001300785.2); c.1786C>T (NM_001300785.1); short protein forms Q486*, Q569*.
Identifiers: ClinVar variation 983772 (VCV000983772.4), dbSNP rs1725885571, ClinGen allele CA357513128.